The following is an entry in ClinVar:

NM_014271.4(IL1RAPL1):c.1993A>G (p.Lys665Glu)

Gene: IL1RAPL1 (interleukin 1 receptor accessory protein like 1; plus strand). Cytogenetic location: Xp21.2.
Variant type: single nucleotide variant.
Coding change: c.1993A>G on transcript NM_014271.4 (MANE Select); coding-DNA position 1993, A replaced by G.
Protein change: p.Lys665Glu; replaces lysine 665 with glutamic acid.
Molecular consequence: missense variant.
Genome position (GRCh38, 1-based): chrX:29,955,722, A>G. VCF-style: chrX-29955722-A-G. GRCh37 (hg19) VCF-style: chrX-29973839-A-G.
Other names: short protein forms K665E.
Identifiers: ClinVar variation 4977388 (VCV004977388.1).

ClinVar aggregate classification (germline): Uncertain significance (1 of 4 stars; one submission).

Conditions:
IL1RAPL1-related disorder. Also called: IL1RAPL1-related condition.

gnomAD v4.1: 19 of 1,209,681 alleles (0.0016%); highest among the groups gnomAD compares: Non-Finnish European, 0.0021%; no homozygotes.

Submission:

PreventionGenetics, part of Exact Sciences
Classification: Uncertain significance for IL1RAPL1-related condition. Last evaluated: 2025-08-26. Review status: criteria provided, single submitter. Criteria: ACMG Guidelines, 2015. Collection method: clinical testing. Allele origin: germline.
Comment: The IL1RAPL1 c.1993A>G variant is predicted to result in the amino acid substitution p.Lys665Glu. To our knowledge, this variant has not been reported in the literature. This variant is reported in 0.0012% of alleles in individuals of European (Non-Finnish) descent in gnomAD. At this time, the clinical significance of this variant is uncertain due to the absence of conclusive functional and genetic evidence.